The following is an entry in ClinVar:

NM_001358530.2(MOCS1):c.1081A>G (p.Arg361Gly)

Gene: MOCS1 (molybdenum cofactor synthesis 1; minus strand). Cytogenetic location: 6p21.2.
Variant type: single nucleotide variant.
Coding change: c.1081A>G on transcript NM_001358530.2 (MANE Select); coding-DNA position 1081, A replaced by G.
Protein change: p.Arg361Gly; replaces arginine 361 with glycine.
Molecular consequence: missense variant. On other transcripts: non-coding transcript variant (1).
Genome position (GRCh38, 1-based): chr6:39,909,856, T>C on the plus strand (A>G on the coding strand, the complement: MOCS1 is on the minus strand). VCF-style: chr6-39909856-T-C. GRCh37 (hg19) VCF-style: chr6-39877600-T-C.
Other names: c.1081A>G, p.Arg361Gly (NM_001075098.4, NM_001358529.2, NM_005943.6); c.820A>G, p.Arg274Gly (NM_001358531.2, NM_001358533.2, NM_001358534.2); short protein forms R274G, R361G.
Identifiers: ClinVar variation 1931772 (VCV001931772.5), dbSNP rs2482283428, ClinGen allele CA364042107.
Genomic context (GRCh38, chr6:39,909,856, plus strand): 5'-ACTCACCATCCAGGCCAGCCCTCCCCACCCTGCACTTACCTGCATGCTGCCGCTTCTTCC[T>C]GCCCACAGCAGCCCCAATGATTCTCAGCAGCTCCTGCTCAGAGGCCCCAGCTCGCAGGTG-3'
Protein context (NP_001345459.1, residues 351-371): LLRIIGAAVG[Arg361Gly]KKRQHAGMFS

ClinVar aggregate classification (germline): Uncertain significance (1 of 4 stars; one submission).

Conditions:
Sulfite oxidase deficiency due to molybdenum cofactor deficiency type A. Also called: Molybdenum cofactor deficiency, complementation group A; Molybdenum Cofactor Deficiency A. Identifiers: Orphanet 308386, Orphanet 833, MedGen C1854988, MONDO:0009643, OMIM 252150.

Allele frequency attached by ClinVar (database versions not stated): gnomAD exomes below 0.00001.
gnomAD v4.1: 2 of 1,613,742 alleles (0.00012%); highest among the groups gnomAD compares: Non-Finnish European, 0.00017%; no homozygotes.

Submission:

Labcorp Genetics (formerly Invitae), Labcorp
Classification: Uncertain significance for Sulfite oxidase deficiency due to molybdenum cofactor deficiency type A. Last evaluated: 2022-08-16. Review status: criteria provided, single submitter. Criteria: Invitae Variant Classification Sherloc (09022015). Collection method: clinical testing. Allele origin: germline.
Comment: This sequence change replaces arginine, which is basic and polar, with glycine, which is neutral and non-polar, at codon 361 of the MOCS1 protein (p.Arg361Gly). This variant is not present in population databases (gnomAD no frequency). This variant has not been reported in the literature in individuals affected with MOCS1-related conditions. Algorithms developed to predict the effect of missense changes on protein structure and function are either unavailable or do not agree on the potential impact of this missense change (SIFT: "Not Available"; PolyPhen-2: "Possibly Damaging"; Align-GVGD: "Not Available"). In summary, the available evidence is currently insufficient to determine the role of this variant in disease. Therefore, it has been classified as a Variant of Uncertain Significance.